The following is an entry in ClinVar:

NM_004086.3(COCH):c.1315_1377del (p.Tyr439_Gly459del)

Genes: COCH (cochlin; plus strand), LOC100506071 (uncharacterized LOC100506071; minus strand). Cytogenetic location: 14q12.
Variant type: Deletion.
Coding change: c.1315_1377del on transcript NM_004086.3 (MANE Select); coding-DNA positions 1315 to 1377, 63 bases deleted.
Protein change: p.Tyr439_Gly459del.
Molecular consequence: inframe deletion. On other transcripts: non-coding transcript variant (1).
Genome position (GRCh38, 1-based): chr14:30,886,150-30,886,212, 63 bases deleted. GRCh37 (hg19): chr14:31,355,356-31,355,418.
Other names: c.1315_1377del, p.Tyr439_Gly459del (NM_001135058.2); c.1510_1572del, p.Tyr504_Gly524del (NM_001347720.2).
Identifiers: ClinVar variation 2136105 (VCV002136105.1), dbSNP rs1566413646, ClinGen allele CA613323150.

ClinVar aggregate classification (germline): Uncertain significance (1 of 4 stars; one submission).

Submission:

GeneDx
Classification: Uncertain significance. Last evaluated: 2022-07-19. Review status: criteria provided, single submitter. Criteria: GeneDx Variant Classification Process June 2021. Collection method: clinical testing. Allele origin: germline. Affected: yes.
Comment: Not observed at significant frequency in large population cohorts (gnomAD); In-frame deletion of 21 amino acids in a non-repeat region; In silico analysis supports a deleterious effect on protein structure/function; Has not been previously published as pathogenic or benign to our knowledge